The following is an entry in ClinVar:

NM_020366.4(RPGRIP1):c.2794C>A (p.Pro932Thr)

Gene: RPGRIP1 (RPGR interacting protein 1; plus strand). Cytogenetic location: 14q11.2.
Variant type: single nucleotide variant.
Coding change: c.2794C>A on transcript NM_020366.4 (MANE Select); coding-DNA position 2794, C replaced by A.
Protein change: p.Pro932Thr; replaces proline 932 with threonine.
Molecular consequence: missense variant.
Genome position (GRCh38, 1-based): chr14:21,327,706, C>A. VCF-style: chr14-21327706-C-A. GRCh37 (hg19) VCF-style: chr14-21795865-C-A.
Other names: c.772C>A, p.Pro258Thr (NM_001377523.1, NM_001377950.1); c.1720C>A, p.Pro574Thr (NM_001377948.1); c.880C>A, p.Pro294Thr (NM_001377949.1); c.274C>A, p.Pro92Thr (NM_001377951.1); short protein forms P294T, P258T, P574T, P932T, P92T.
Identifiers: ClinVar variation 2049393 (VCV002049393.4), dbSNP rs773491339, ClinGen allele CA388870629.
Genomic context (GRCh38, chr14:21,327,706, plus strand): 5'-GCAGAGAAACCCAACGGATCTATTCAAGTGCAACTGGATTGGAAGTTTCCCTACATACCC[C>A]CTGAGAGCTTCCTGAAACCAGAAGCTCAGACTAAGGGGAAGGATACCAAGGACAGTTCAA-3'
Protein context (NP_065099.3, residues 922-942): QLDWKFPYIP[Pro932Thr]ESFLKPEAQT

ClinVar aggregate classification (germline): Uncertain significance (1 of 4 stars; one submission).

Conditions:
Cone-rod dystrophy 13 (CORD13). Identifiers: Orphanet 1872, MedGen C2750720, MONDO:0011987, OMIM 608194.
Leber congenital amaurosis 6 (LCA6). Identifiers: Orphanet 65, MedGen C1854260, MONDO:0013446, OMIM 613826.

Submission:

Labcorp Genetics (formerly Invitae), Labcorp
Classification: Uncertain significance for Leber congenital amaurosis 6; Cone-rod dystrophy 13. Last evaluated: 2022-05-30. Review status: criteria provided, single submitter. Criteria: Invitae Variant Classification Sherloc (09022015). Collection method: clinical testing. Allele origin: germline.
Comment: This sequence change replaces proline, which is neutral and non-polar, with threonine, which is neutral and polar, at codon 932 of the RPGRIP1 protein (p.Pro932Thr). This variant is not present in population databases (gnomAD no frequency). This variant has not been reported in the literature in individuals affected with RPGRIP1-related conditions. Algorithms developed to predict the effect of missense changes on protein structure and function are either unavailable or do not agree on the potential impact of this missense change (SIFT: "Tolerated"; PolyPhen-2: "Probably Damaging"; Align-GVGD: "Class C0"). In summary, the available evidence is currently insufficient to determine the role of this variant in disease. Therefore, it has been classified as a Variant of Uncertain Significance.